The following is an entry in ClinVar:

ClinVar aggregate classification (germline): Uncertain significance (1 of 4 stars; one submission).

Conditions:
Catecholaminergic polymorphic ventricular tachycardia (CVPT). Also called: Catecholamine-induced polymorphic ventricular tachycardia. Identifiers: Orphanet 3286, MedGen C5574922, MONDO:0017990.

Allele frequency attached by ClinVar (database versions not stated): gnomAD exomes below 0.00001; TOPMed below 0.00001.
gnomAD v4.1: 3 of 1,566,630 alleles (0.00019%); highest among the groups gnomAD compares: Non-Finnish European, 0.00026%; no homozygotes.

Submission:

All of Us Research Program, National Institutes of Health
Classification: Uncertain significance for Catecholaminergic polymorphic ventricular tachycardia. Last evaluated: 2023-04-03. Review status: criteria provided, single submitter. Criteria: ACMG Guidelines, 2015. Collection method: clinical testing. Allele origin: germline. Inheritance: Autosomal dominant inheritance. Observed: 1 variant allele, 1 heterozygote.
Comment: This variant is located in the RYR2 protein. To our knowledge, functional studies have not been reported for this variant. This variant has not been reported in individuals affected with RYR2-related disorders in the literature. This variant has been identified in 1/215332 chromosomes in the general population by the Genome Aggregation Database (gnomAD). The available evidence is insufficient to determine the role of this variant in disease conclusively. Therefore, this variant is classified as a Variant of Uncertain Significance.

This study involves interpretation of variants in research participants for the purpose of population health screening. Participant phenotype was not available at the time of variant classification. Additional details can be found in publication PMID: 35346344, PMCID: PMC8962531

NM_001035.3(RYR2):c.3843A>T (p.Pro1281=)

Genes: RYR2 (ryanodine receptor 2; plus strand), LOC126806067 (BRD4-independent group 4 enhancer GRCh37_chr1:237753258-237754457; plus strand). Cytogenetic location: 1q43.
Variant type: single nucleotide variant.
Coding change: c.3843A>T on transcript NM_001035.3 (MANE Select); coding-DNA position 3843, A replaced by T.
Protein change: p.Pro1281=; no amino-acid change (proline 1281 retained).
Molecular consequence: synonymous variant.
Genome position (GRCh38, 1-based): chr1:237,590,675, A>T. VCF-style: chr1-237590675-A-T. GRCh37 (hg19) VCF-style: chr1-237753975-A-T.
Identifiers: ClinVar variation 3070281 (VCV003070281.1), dbSNP rs1176224862, ClinGen allele CA424030630.